The following is an entry in ClinVar:

NM_000603.5(NOS3):c.1052C>T (p.Ala351Val)

Gene: NOS3 (nitric oxide synthase 3; plus strand). Cytogenetic location: 7q36.1.
Variant type: single nucleotide variant.
Coding change: c.1052C>T on transcript NM_000603.5 (MANE Select); coding-DNA position 1052, C replaced by T.
Protein change: p.Ala351Val; replaces alanine 351 with valine.
Molecular consequence: missense variant.
Genome position (GRCh38, 1-based): chr7:150,999,285, C>T. VCF-style: chr7-150999285-C-T. GRCh37 (hg19) VCF-style: chr7-150696373-C-T.
Other names: c.1052C>T, p.Ala351Val (NM_001160109.2, NM_001160110.1, NM_001160111.1); short protein forms A351V.
Identifiers: ClinVar variation 1028848 (VCV001028848.1), dbSNP rs1795021746, ClinGen allele CA369854974.
Genomic context (GRCh38, chr7:150,999,285, plus strand): 5'-ACGCCCTCCCGGCAGTGTCCAACATGCTGCTGGAAATTGGGGGCCTGGAGTTCCCCGCAG[C>T]CCCCTTCAGTGGCTGGTACATGAGCACTGAGATCGGCACGAGGAACCTGTGTGACCCTCA-3'
Protein context (NP_000594.2, residues 341-361): LEIGGLEFPA[Ala351Val]PFSGWYMSTE

ClinVar aggregate classification (germline): Uncertain significance (1 of 4 stars; one submission).

Conditions:
Alzheimer disease. Also called: Presenile and senile dementia; Alzheimer's disease. Identifiers: Orphanet 1020, MedGen C0002395, MeSH D000544, MONDO:0004975, HP:0002511.

Allele frequency attached by ClinVar (database versions not stated): gnomAD exomes below 0.00001; TOPMed below 0.00001.

Submission:

Baylor Genetics
Classification: Uncertain significance for Alzheimer disease type 1. Last evaluated: 2020-07-09. Review status: criteria provided, single submitter. Criteria: ACMG Guidelines, 2015. Collection method: clinical testing. Allele origin: unknown. Affected: yes.
Comment: This variant was determined to be of uncertain significance according to ACMG Guidelines, 2015 [PMID:25741868].